The following is an entry in ClinVar:

NM_001378183.1(PIEZO2):c.235A>G (p.Ile79Val)

Gene: PIEZO2 (piezo type mechanosensitive ion channel component 2; minus strand). Cytogenetic location: 18p11.21.
Variant type: single nucleotide variant.
Coding change: c.235A>G on transcript NM_001378183.1 (MANE Select); coding-DNA position 235, A replaced by G.
Protein change: p.Ile79Val; replaces isoleucine 79 with valine.
Molecular consequence: missense variant.
Genome position (GRCh38, 1-based): chr18:10,979,586, T>C on the plus strand (A>G on the coding strand, the complement: PIEZO2 is on the minus strand). VCF-style: chr18-10979586-T-C. GRCh37 (hg19) VCF-style: chr18-10979584-T-C.
Other names: c.235A>G, p.Ile79Val (NM_001410871.1, NM_022068.4); short protein forms I79V.
Identifiers: ClinVar variation 2630735 (VCV002630735.1), dbSNP rs2034587941, ClinGen allele CA402028479.

ClinVar aggregate classification (germline): Uncertain significance (1 of 4 stars; one submission).

Conditions:
PIEZO2-related disorder. Also called: PIEZO2-related condition; PIEZO2-related disorders.

Allele frequency attached by ClinVar (database versions not stated): TOPMed below 0.00001; gnomAD exomes 0.00001.
gnomAD v4.1: 9 of 1,536,144 alleles (0.00059%); highest among the groups gnomAD compares: Non-Finnish European, 0.00079%; no homozygotes.

Submission:

PreventionGenetics, part of Exact Sciences
Classification: Uncertain significance for PIEZO2-related condition. Last evaluated: 2023-08-24. Review status: criteria provided, single submitter. Criteria: ACMG Guidelines, 2015. Collection method: clinical testing. Allele origin: germline.
Comment: The PIEZO2 c.235A>G variant is predicted to result in the amino acid substitution p.Ile79Val. To our knowledge, this variant has not been reported in the literature or in a large population database, indicating this variant is rare. At this time, the clinical significance of this variant is uncertain due to the absence of conclusive functional and genetic evidence.